The following is an entry in ClinVar:

NM_001035.3(RYR2):c.5017G>A (p.Ala1673Thr)

Gene: RYR2 (ryanodine receptor 2; plus strand). Cytogenetic location: 1q43.
Variant type: single nucleotide variant.
Coding change: c.5017G>A on transcript NM_001035.3 (MANE Select); coding-DNA position 5017, G replaced by A.
Protein change: p.Ala1673Thr; replaces alanine 1673 with threonine.
Molecular consequence: missense variant.
Genome position (GRCh38, 1-based): chr1:237,614,145, G>A. VCF-style: chr1-237614145-G-A. GRCh37 (hg19) VCF-style: chr1-237777445-G-A.
Other names: short protein forms A1673T.
Identifiers: ClinVar variation 1492490 (VCV001492490.9), dbSNP rs2148593799, ClinGen allele CA345403835.
Genomic context (GRCh38, chr1:237,614,145, plus strand): 5'-TTTCACTATCACACTCTCCGGCTCTACTCAGCCGTCTGTGCTCTTGGGAACCACCGGGTG[G>A]CCCATGCCCTGTGCAGCCATGTGGATGAACCTCAGCTCCTCTATGCCATTGAGAACAAGT-3'
Protein context (NP_001026.2, residues 1663-1683): AVCALGNHRV[Ala1673Thr]HALCSHVDEP

ClinVar aggregate classification (germline): Uncertain significance (1 of 4 stars; one submission).

Conditions:
Catecholaminergic polymorphic ventricular tachycardia 1. Also called: VENTRICULAR TACHYCARDIA, CATECHOLAMINERGIC POLYMORPHIC, 1, WITH OR WITHOUT ATRIAL DYSFUNCTION AND/OR DILATED CARDIOMYOPATHY; VENTRICULAR TACHYCARDIA, STRESS-INDUCED POLYMORPHIC 1; RYR2-Related Catecholaminergic Polymorphic Ventricular Tachycardia. Identifiers: Orphanet 3286, MedGen C1631597, MONDO:0011484, OMIM 604772.

Submission:

Labcorp Genetics (formerly Invitae), Labcorp
Classification: Uncertain significance for Catecholaminergic polymorphic ventricular tachycardia 1. Last evaluated: 2021-05-19. Review status: criteria provided, single submitter. Criteria: Invitae Variant Classification Sherloc (09022015). Collection method: clinical testing. Allele origin: germline.
Comment: Advanced modeling of protein sequence and biophysical properties (such as structural, functional, and spatial information, amino acid conservation, physicochemical variation, residue mobility, and thermodynamic stability) performed at Invitae indicates that this missense variant is expected to disrupt RYR2 protein function. In summary, the available evidence is currently insufficient to determine the role of this variant in disease. Therefore, it has been classified as a Variant of Uncertain Significance. This sequence change replaces alanine with threonine at codon 1673 of the RYR2 protein (p.Ala1673Thr). The alanine residue is highly conserved and there is a small physicochemical difference between alanine and threonine. This variant is not present in population databases (ExAC no frequency). This variant has not been reported in the literature in individuals with RYR2-related conditions.